The following is an entry in ClinVar:

NM_000393.5(COL5A2):c.1456-4A>G

Gene: COL5A2 (collagen type V alpha 2 chain; minus strand). Cytogenetic location: 2q32.2.
Variant type: single nucleotide variant.
Coding change: c.1456-4A>G on transcript NM_000393.5 (MANE Select); 4 bases into the intron before coding-DNA position 1456, A replaced by G.
Molecular consequence: intron variant.
Genome position (GRCh38, 1-based): chr2:189,066,501, T>C on the plus strand (A>G on the coding strand, the complement: COL5A2 is on the minus strand). VCF-style: chr2-189066501-T-C. GRCh37 (hg19) VCF-style: chr2-189931227-T-C.
Identifiers: ClinVar variation 3369431 (VCV003369431.1).
Genomic context (GRCh38, chr2:189,066,501, plus strand): 5'-ACCTCTTTTGCCTTCTTCACCGGGTGGGCCTATCGGACCCTGAATACCATGTGGCCCCTG[T>C]TAAAAACAGAAGGACAGTTACCAGAAAGACCCATCCAACCAGTGAATTATAGTTGGAAGC-3'

ClinVar aggregate classification (germline): Uncertain significance (1 of 4 stars; one submission).

gnomAD v4.1: 1 of 1,613,940 alleles (0.000062%); no homozygotes.

Submission:

GeneDx
Classification: Uncertain significance. Last evaluated: 2024-02-26. Review status: criteria provided, single submitter. Criteria: GeneDx Variant Classification Process June 2021. Collection method: clinical testing. Allele origin: germline. Affected: yes.
Comment: Not observed at significant frequency in large population cohorts (gnomAD); In silico analysis supports a deleterious effect on splicing; Has not been previously published as pathogenic or benign to our knowledge